The following is an entry in ClinVar:

NM_020964.3(EPG5):c.2758G>T (p.Ala920Ser)

Gene: EPG5 (ectopic P-granules 5 autophagy tethering factor; minus strand). Cytogenetic location: 18q21.1.
Variant type: single nucleotide variant.
Coding change: c.2758G>T on transcript NM_020964.3 (MANE Select); coding-DNA position 2758, G replaced by T.
Protein change: p.Ala920Ser; replaces alanine 920 with serine.
Molecular consequence: missense variant.
Genome position (GRCh38, 1-based): chr18:45,923,348, C>A on the plus strand (G>T on the coding strand, the complement: EPG5 is on the minus strand). VCF-style: chr18-45923348-C-A. GRCh37 (hg19) VCF-style: chr18-43503314-C-A.
Other names: short protein forms A920S.
Identifiers: ClinVar variation 1018301 (VCV001018301.7), dbSNP rs751746856, ClinGen allele CA8949339.

ClinVar aggregate classification (germline): Uncertain significance (1 of 4 stars; one submission).

Conditions:
Vici syndrome (VICIS). Identifiers: Orphanet 1493, MedGen C1855772, MONDO:0009452, OMIM 242840.

Allele frequency attached by ClinVar (database versions not stated): gnomAD exomes below 0.00001 and 0.00001; TOPMed below 0.00001; ExAC 0.00001.
gnomAD v4.1: 3 of 1,613,922 alleles (0.00019%); highest among the groups gnomAD compares: Non-Finnish European, 0.00025%; no homozygotes.

Submission:

Labcorp Genetics (formerly Invitae), Labcorp
Classification: Uncertain significance for Vici syndrome. Last evaluated: 2021-09-01. Review status: criteria provided, single submitter. Criteria: Invitae Variant Classification Sherloc (09022015). Collection method: clinical testing. Allele origin: germline.
Comment: This sequence change replaces alanine with serine at codon 920 of the EPG5 protein (p.Ala920Ser). The alanine residue is moderately conserved and there is a moderate physicochemical difference between alanine and serine. This variant is present in population databases (rs751746856, ExAC 0.002%). This variant has not been reported in the literature in individuals affected with EPG5-related conditions. Algorithms developed to predict the effect of missense changes on protein structure and function are either unavailable or do not agree on the potential impact of this missense change (SIFT: "Deleterious"; PolyPhen-2: "Probably Damaging"; Align-GVGD: "Class C0"). In summary, the available evidence is currently insufficient to determine the role of this variant in disease. Therefore, it has been classified as a Variant of Uncertain Significance.